The following is an entry in ClinVar:

ClinVar aggregate classification (germline): Likely benign. Review status: reviewed by expert panel (3 of 4 stars). 9 submissions from 9 submitters: Likely benign (1). 8 of the submissions do not count toward it. Last evaluated 2017-06-29.

Conditions:
Hereditary breast ovarian cancer syndrome. Also called: Hereditary breast and ovarian cancer syndrome; Hereditary breast and/or ovarian cancer syndrome; Hereditary breast and ovarian cancer; Breast and ovarian cancer; BRCA1- and BRCA2-Associated Hereditary Breast and Ovarian Cancer; Hereditary breast and ovarian cancer syndrome (HBOC). Identifiers: Orphanet 145, MedGen C0677776, MeSH D061325, MONDO:0003582. Disease mechanism: loss of function.
Hereditary cancer-predisposing syndrome. Also called: Hereditary neoplastic syndrome; Tumor predisposition; Hereditary Cancer Syndrome; Neoplastic Syndromes, Hereditary. Identifiers: Orphanet 140162, MedGen C0027672, MeSH D009386, MONDO:0015356.
Breast-ovarian cancer, familial, susceptibility to, 2 (BROVCA2). Also called: BRCA2 Hereditary Breast and Ovarian Cancer. Identifiers: Orphanet 145, MedGen C2675520, MONDO:0012933, OMIM 612555. Disease mechanism: loss of function.

Allele frequency attached by ClinVar (database versions not stated): gnomAD exomes below 0.00001 and 0.00001; ExAC 0.00001; gnomAD 0.00001; TOPMed 0.00001.

Submissions (9):

Evidence-based Network for the Interpretation of Germline Mutant Alleles (ENIGMA)
Classification: Likely benign for Breast-ovarian cancer, familial, susceptibility to, 2. Last evaluated: 2017-06-29. Review status: reviewed by expert panel. Criteria: ENIGMA BRCA1/2 Classification Criteria (2017-06-29). Collection method: curation. Allele origin: germline.
Comment: Synonymous substitution variant, with low bioinformatic likelihood to result in a splicing aberration (Splicing prior probability 0.02).

Labcorp Genetics (formerly Invitae), Labcorp
Classification: Likely benign for Hereditary breast ovarian cancer syndrome. Last evaluated: 2026-01-18. Review status: criteria provided, single submitter. Criteria: Invitae Variant Classification Sherloc (09022015). Collection method: clinical testing. Allele origin: germline. Not counted in ClinVar's aggregate classification.

Ambry Genetics
Classification: Likely benign for Hereditary cancer-predisposing syndrome. Last evaluated: 2025-07-02. Review status: criteria provided, single submitter. Criteria: Ambry Variant Classification Scheme 2023. Collection method: clinical testing. Allele origin: germline. Not counted in ClinVar's aggregate classification.

All of Us Research Program, National Institutes of Health
Classification: Likely benign for Breast-ovarian cancer, familial, susceptibility to, 2. Last evaluated: 2023-12-01. Review status: criteria provided, single submitter. Criteria: ACMG Guidelines, 2015. Collection method: clinical testing. Allele origin: germline. Inheritance: Autosomal dominant inheritance. Observed: 1 variant allele, 1 heterozygote. Not counted in ClinVar's aggregate classification.
Comment: This study involves interpretation of variants in research participants for the purpose of population health screening. Participant phenotype was not available at the time of variant classification. Additional details can be found in publication PMID: 35346344, PMCID: PMC8962531

Blueprint Genetics
Classification: Likely benign. Last evaluated: 2022-07-21. Review status: criteria provided, single submitter. Criteria: ACMG Guidelines, 2015. Collection method: clinical testing. Allele origin: germline. Not counted in ClinVar's aggregate classification.

Quest Diagnostics Nichols Institute San Juan Capistrano
Classification: Likely benign. Last evaluated: 2020-02-04. Review status: criteria provided, single submitter. Criteria: Quest Diagnostics criteria. Collection method: clinical testing. Allele origin: unknown. Not counted in ClinVar's aggregate classification.

GeneDx
Classification: Likely benign. Last evaluated: 2019-11-21. Review status: criteria provided, single submitter. Criteria: GeneDx Variant Classification Process June 2021. Collection method: clinical testing. Allele origin: germline. Affected: yes. Not counted in ClinVar's aggregate classification.
Comment: This variant is associated with the following publications: (PMID: 29310832)

Women's Health and Genetics/Laboratory Corporation of America, LabCorp
Classification: Likely benign. Last evaluated: 2019-08-21. Review status: criteria provided, single submitter. Criteria: LabCorp Variant Classification Summary - May 2015. Collection method: clinical testing. Allele origin: germline. Not counted in ClinVar's aggregate classification.

Color Diagnostics, LLC DBA Color Health
Classification: Likely benign for Hereditary cancer-predisposing syndrome. Last evaluated: 2016-12-14. Review status: criteria provided, single submitter. Criteria: ACMG Guidelines, 2015. Collection method: clinical testing. Allele origin: germline. Not counted in ClinVar's aggregate classification.

Literature cited by the submitters: PubMed 29310832 (cited by Quest Diagnostics Nichols Institute San Juan Capistrano).

NM_000059.4(BRCA2):c.963A>G (p.Gln321=)

Gene: BRCA2 (BRCA2 DNA repair associated; plus strand). Cytogenetic location: 13q13.1.
Variant type: single nucleotide variant.
Coding change: c.963A>G on transcript NM_000059.4 (MANE Select); coding-DNA position 963, A replaced by G.
Protein change: p.Gln321=; no amino-acid change (glutamine 321 retained).
Molecular consequence: synonymous variant.
Genome position (GRCh38, 1-based): chr13:32,332,441, A>G. VCF-style: chr13-32332441-A-G. GRCh37 (hg19) VCF-style: chr13-32906578-A-G.
Identifiers: ClinVar variation 311661 (VCV000311661.30), dbSNP rs276174927, ClinGen allele CA6940479.